The following is an entry in ClinVar:

NM_001371904.1(APOA5):c.551C>G (p.Thr184Ser)

Gene: APOA5 (apolipoprotein A5; minus strand). Cytogenetic location: 11q23.3.
Variant type: single nucleotide variant.
Coding change: c.551C>G on transcript NM_001371904.1 (MANE Select); coding-DNA position 551, C replaced by G.
Protein change: p.Thr184Ser; replaces threonine 184 with serine.
Molecular consequence: missense variant.
Genome position (GRCh38, 1-based): chr11:116,790,678, G>C on the plus strand (C>G on the coding strand, the complement: APOA5 is on the minus strand). VCF-style: chr11-116790678-G-C. GRCh37 (hg19) VCF-style: chr11-116661394-G-C.
Other names: c.551C>G, p.Thr184Ser (NM_001166598.2, NM_052968.5); short protein forms T184S.
Identifiers: ClinVar variation 1303207 (VCV001303207.7), dbSNP rs201229911, ClinGen allele CA6289053.

ClinVar aggregate classification (germline): Uncertain significance. Review status: criteria provided, multiple submitters, no conflicts (2 of 4 stars). 4 submissions from 4 submitters: Uncertain significance (4). Last evaluated 2025-10-18.

Conditions:
Cardiovascular phenotype. Identifiers: MedGen CN230736.

Allele frequency attached by ClinVar (database versions not stated): ExAC 0.00015; TOPMed 0.00003; 1000 Genomes Project 0.00040; gnomAD exomes 0.00011 and 0.00015; 1000 Genomes Project 30x 0.00031.

Submissions (4):

Labcorp Genetics (formerly Invitae), Labcorp
Classification: Uncertain significance. Last evaluated: 2025-10-18. Review status: criteria provided, single submitter. Criteria: Invitae Variant Classification Sherloc (09022015). Collection method: clinical testing. Allele origin: germline.
Comment: This sequence change replaces threonine, which is neutral and polar, with serine, which is neutral and polar, at codon 184 of the APOA5 protein (p.Thr184Ser). This variant is present in population databases (rs201229911, gnomAD 0.2%). This missense change has been observed in individual(s) with hypertriglyceridemia (PMID: 22883338, 29214790, 30389453, 36325899). ClinVar contains an entry for this variant (Variation ID: 1303207). An algorithm developed to predict the effect of missense changes on protein structure and function (PolyPhen-2) suggests that this variant is likely to be disruptive. Experimental studies have shown that this missense change does not substantially affect APOA5 function (PMID: 22883338). In summary, the available evidence is currently insufficient to determine the role of this variant in disease. Therefore, it has been classified as a Variant of Uncertain Significance.

Ambry Genetics
Classification: Uncertain significance for Cardiovascular phenotype. Last evaluated: 2024-04-27. Review status: criteria provided, single submitter. Criteria: Ambry Variant Classification Scheme 2023. Collection method: clinical testing. Allele origin: germline.
Comment: The p.T184S variant (also known as c.551C>G), located in coding exon 3 of the APOA5 gene, results from a C to G substitution at nucleotide position 551. The threonine at codon 184 is replaced by serine, an amino acid with similar properties. This variant has been reported as heterozygous in individuals with severe hypertriglyceridemia (Wang XL et al. Zhonghua Nei Ke Za Zhi, 2012 May;51:380-4; Lee CJ et al. Yonsei Med J, 2018 Jan;59:148-153; Matsunaga A et al. J Atheroscler Thromb, 2020 Dec;27:1264-1277). This amino acid position is well conserved in available vertebrate species. In addition, this alteration is predicted to be tolerated by in silico analysis. Based on the available evidence, the clinical significance of this variant remains unclear.

Mendelics
Classification: Uncertain significance. Last evaluated: 2022-05-04. Review status: criteria provided, single submitter. Criteria: Mendelics Assertion Criteria 2019. Collection method: clinical testing. Allele origin: germline.

GeneDx
Classification: Uncertain significance. Last evaluated: 2019-04-26. Review status: criteria provided, single submitter. Criteria: GeneDx Variant Classification Process June 2021. Collection method: clinical testing. Allele origin: germline. Affected: yes.
Comment: Observed in the heterozygous and compound heterozygous state with another APOA5 variant or variants in the LMF1 or LPL genes, in multiple individuals of East Asian background with hypertriglyceridemia in published literature; however, the other reported APOA5 variant is benign (Wang et al., 2012; Lee et al., 2018; Tada et al., 2019); In silico analysis, which includes protein predictors and evolutionary conservation, supports that this variant does not alter protein structure/function; This variant is associated with the following publications: (PMID: 22883338, 29214790, 30389453, 32041611)

Literature cited by the submitters: PubMed 22883338 (cited by Labcorp Genetics (formerly Invitae), Labcorp and Ambry Genetics); PubMed 29214790 (cited by Labcorp Genetics (formerly Invitae), Labcorp and Ambry Genetics); PubMed 30389453 (cited by Labcorp Genetics (formerly Invitae), Labcorp and Ambry Genetics); PubMed 36325899 (cited by Labcorp Genetics (formerly Invitae), Labcorp); PubMed 28548960 (cited by Ambry Genetics); PubMed 31153847 (cited by Ambry Genetics); PubMed 32115487 (cited by Ambry Genetics).